The following is an entry in ClinVar:

ClinVar aggregate classification (germline): Uncertain significance. Review status: criteria provided, multiple submitters, no conflicts (2 of 4 stars). 2 submissions from 2 submitters: Uncertain significance (2). Last evaluated 2021-08-11.

Conditions:
Hereditary nonpolyposis colorectal neoplasms. Identifiers: MedGen C0009405, MeSH D003123.
Hereditary cancer-predisposing syndrome. Also called: Neoplastic Syndromes, Hereditary; Tumor predisposition; Hereditary Cancer Syndrome; Hereditary neoplastic syndrome. Identifiers: Orphanet 140162, MedGen C0027672, MeSH D009386, MONDO:0015356.

gnomAD v4.1: 1 of 1,610,828 alleles (0.000062%); highest among the groups gnomAD compares: South Asian, 0.0011%; no homozygotes.

Submissions (2):

Ambry Genetics
Classification: Uncertain significance for Hereditary cancer-predisposing syndrome. Last evaluated: 2021-08-11. Review status: criteria provided, single submitter. Criteria: Ambry Variant Classification Scheme 2023. Collection method: clinical testing. Allele origin: germline.
Comment: The p.V31M variant (also known as c.91G>A), located in coding exon 2 of the PMS2 gene, results from a G to A substitution at nucleotide position 91. The valine at codon 31 is replaced by methionine, an amino acid with highly similar properties. This amino acid position is highly conserved in available vertebrate species. In addition, this alteration is predicted to be deleterious by in silico analysis. Since supporting evidence is limited at this time, the clinical significance of this alteration remains unclear.

Labcorp Genetics (formerly Invitae), Labcorp
Classification: Uncertain significance for Hereditary nonpolyposis colorectal neoplasms. Last evaluated: 2018-08-18. Review status: criteria provided, single submitter. Criteria: Invitae Variant Classification Sherloc (09022015). Collection method: clinical testing. Allele origin: germline.
Comment: This sequence change replaces valine with methionine at codon 31 of the PMS2 protein (p.Val31Met). The valine residue is highly conserved and there is a small physicochemical difference between valine and methionine. This variant is not present in population databases (ExAC no frequency). This variant has not been reported in the literature in individuals with PMS2-related disease. Algorithms developed to predict the effect of missense changes on protein structure and function are either unavailable or do not agree on the potential impact of this missense change (SIFT: "Deleterious"; PolyPhen-2: "Probably Damaging"; Align-GVGD: "Class C15"). In summary, the available evidence is currently insufficient to determine the role of this variant in disease. Therefore, it has been classified as a Variant of Uncertain Significance.

NM_000535.7(PMS2):c.91G>A (p.Val31Met)

Gene: PMS2 (PMS1 homolog 2, mismatch repair system component; minus strand). Cytogenetic location: 7p22.1.
Variant type: single nucleotide variant.
Coding change: c.91G>A on transcript NM_000535.7 (MANE Select); coding-DNA position 91, G replaced by A.
Protein change: p.Val31Met; replaces valine 31 with methionine.
Molecular consequence: missense variant. On other transcripts: 5 prime UTR variant (8), non-coding transcript variant (1), intron variant (3).
Genome position (GRCh38, 1-based): chr7:6,005,964, C>T on the plus strand (G>A on the coding strand, the complement: PMS2 is on the minus strand). VCF-style: chr7-6005964-C-T. GRCh37 (hg19) VCF-style: chr7-6045595-C-T.
Other names: c.-315G>A (NM_001322003.2, NM_001322005.2, NM_001322009.2 and 1 more transcripts); c.91G>A, p.Val31Met (NM_001322006.2, NM_001322014.2); c.-125G>A (NM_001322007.2); c.-794G>A (NM_001322011.2, NM_001322012.2); c.-394G>A (NM_001322015.2); c.-52-1906G>A (NM_001322008.2); c.-242-1906G>A (NM_001322010.2, NM_001322004.2); short protein forms V31M.
Identifiers: ClinVar variation 648331 (VCV000648331.11), dbSNP rs786203763, ClinGen allele CA366745078.
Genomic context (GRCh38, chr7:6,005,964, plus strand): 5'-CACCAGCATCCAGACTGTTTTCTACTAACTCCTTTACCGCAGTGCTTAGACTCAGTACCA[C>T]CTGCCCAGAGCAAATCTGATGGACTGACTTCCGATCAATAGGTTTGATGGCCTTAGCAGG-3'
Protein context (NP_000526.2, residues 21-41): KSVHQICSGQ[Val31Met]VLSLSTAVKE